The following is an entry in ClinVar:

ClinVar aggregate classification (germline): Uncertain significance (1 of 4 stars; one submission).

Conditions:
OCIAD1-related condition.

gnomAD v4.1: 12 of 1,506,800 alleles (0.0008%); highest among the groups gnomAD compares: East Asian, 0.0023%; no homozygotes.

Submission:

PreventionGenetics, part of Exact Sciences
Classification: Uncertain significance for OCIAD1-related condition. Last evaluated: 2026-06-18. Review status: criteria provided, single submitter. Criteria: ACMG Guidelines, 2015. Collection method: clinical testing. Allele origin: germline.
Comment: The OCIAD1 c.207A>G variant is not predicted to result in an amino acid change (p.=). This variant is predicted to impact splicing based on splicing prediction programs (SpliceAI, Jaganathan et al. 2019. PubMed ID: 30661751). However, the use of computer prediction programs is not equivalent to functional evidence. To our knowledge, this variant has not been reported in the literature or in a large population database (gnomAD), indicating this variant is rare. At this time, the clinical significance of this variant is uncertain due to the absence of conclusive functional and genetic evidence.

NM_017830.4(OCIAD1):c.192A>G (p.Lys64=)

Gene: OCIAD1 (OCIA domain containing 1; plus strand). Cytogenetic location: 4p11.
Variant type: single nucleotide variant.
Coding change: c.192A>G on transcript NM_017830.4 (MANE Select); coding-DNA position 192, A replaced by G.
Protein change: p.Lys64=; no amino-acid change (lysine 64 retained).
Molecular consequence: synonymous variant.
Genome position (GRCh38, 1-based): chr4:48,842,688, A>G. VCF-style: chr4-48842688-A-G. GRCh37 (hg19) VCF-style: chr4-48844705-A-G.
Other names: c.192A>G, p.Lys64= (NM_001079839.3, NM_001079840.3, NM_001079841.3 and 1 more transcripts); c.207A>G, p.Lys69= (NM_001168254.2).
Identifiers: ClinVar variation 4981046 (VCV004981046.1).